The following is an entry in ClinVar:

ClinVar aggregate classification (germline): Uncertain significance (1 of 4 stars; one submission).

Conditions:
RASopathy. Also called: Noonan spectrum disorder; rasopathies. Identifiers: Orphanet 536391, MedGen C5555857, MONDO:0021060.

Submission:

Labcorp Genetics (formerly Invitae), Labcorp
Classification: Uncertain significance for RASopathy. Last evaluated: 2025-03-17. Review status: criteria provided, single submitter. Criteria: Invitae Variant Classification Sherloc (09022015). Collection method: clinical testing. Allele origin: germline.
Comment: This sequence change affects a donor splice site in intron 2 of the BRAF gene. It is expected to disrupt RNA splicing. Variants that disrupt the donor or acceptor splice site typically lead to a loss of protein function (PMID: 16199547), however the current clinical and genetic evidence is not sufficient to establish whether loss-of-function variants in BRAF cause disease. This variant is not present in population databases (gnomAD no frequency). This variant has not been reported in the literature in individuals affected with BRAF-related conditions. ClinVar contains an entry for this variant (Variation ID: 2985251). Algorithms developed to predict the effect of sequence changes on RNA splicing suggest that this variant may disrupt the consensus splice site. In summary, the available evidence is currently insufficient to determine the role of this variant in disease. Therefore, it has been classified as a Variant of Uncertain Significance.

Literature cited by the submitters: PubMed 16199547.

NM_004333.6(BRAF):c.240+2T>C

Gene: BRAF (B-Raf proto-oncogene, serine/threonine kinase; minus strand). Cytogenetic location: 7q34.
Variant type: single nucleotide variant.
Coding change: c.240+2T>C on transcript NM_004333.6 (MANE Select); the canonical splice donor site of the intron after coding-DNA position 240, T replaced by C.
Molecular consequence: splice donor variant. On other transcripts: intron variant (1).
Genome position (GRCh38, 1-based): chr7:140,850,109, A>G on the plus strand (T>C on the coding strand, the complement: BRAF is on the minus strand). VCF-style: chr7-140850109-A-G. GRCh37 (hg19) VCF-style: chr7-140549909-A-G.
Other names: c.240+2T>C (NM_001378474.1, NM_001378475.1, NM_001378471.1 and 6 more transcripts); c.139-15237T>C (NM_001378470.1); c.84+2T>C (NM_001378472.1, NM_001378473.1).
Identifiers: ClinVar variation 2985251 (VCV002985251.3), dbSNP rs2536569603, ClinGen allele CA369587679.